The following is an entry in ClinVar:

ClinVar aggregate classification (germline): Pathogenic (1 of 4 stars; one submission).

Conditions:
Muscular dystrophy-dystroglycanopathy type B6 (MDDGB6). Also called: MUSCULAR DYSTROPHY-DYSTROGLYCANOPATHY (CONGENITAL WITH IMPAIRED INTELLECTUAL DEVELOPMENT), TYPE B, 6; MUSCULAR DYSTROPHY, CONGENITAL, LARGE-RELATED; MUSCULAR DYSTROPHY, CONGENITAL, TYPE 1D. Identifiers: MedGen C1837229, MONDO:0012138, OMIM 608840.

Submission:

Labcorp Genetics (formerly Invitae), Labcorp
Classification: Pathogenic for Muscular dystrophy-dystroglycanopathy type B6. Last evaluated: 2022-12-11. Review status: criteria provided, single submitter. Criteria: Invitae Variant Classification Sherloc (09022015). Collection method: clinical testing. Allele origin: germline.
Comment: For these reasons, this variant has been classified as Pathogenic. ClinVar contains an entry for this variant (Variation ID: 965408). This variant has not been reported in the literature in individuals affected with LARGE1-related conditions. This variant is not present in population databases (gnomAD no frequency). This sequence change creates a premature translational stop signal (p.Glu112*) in the LARGE1 gene. It is expected to result in an absent or disrupted protein product. Loss-of-function variants in LARGE1 are known to be pathogenic (PMID: 12966029, 17878207).

Literature cited by the submitters: PubMed 12966029; PubMed 17878207.

NM_133642.5(LARGE1):c.334G>T (p.Glu112Ter)

Gene: LARGE1 (LARGE xylosyl- and glucuronyltransferase 1; minus strand). Cytogenetic location: 22q12.3.
Variant type: single nucleotide variant.
Coding change: c.334G>T on transcript NM_133642.5 (MANE Select); coding-DNA position 334, G replaced by T.
Protein change: p.Glu112Ter; replaces glutamic acid 112 with a stop codon.
Molecular consequence: nonsense.
Genome position (GRCh38, 1-based): chr22:33,650,441, C>A on the plus strand (G>T on the coding strand, the complement: LARGE1 is on the minus strand). VCF-style: chr22-33650441-C-A. GRCh37 (hg19) VCF-style: chr22-34046427-C-A.
Other names: c.334G>T, p.Glu112Ter (NM_001362949.2, NM_001362951.2, NM_001362953.2 and 7 more transcripts); short protein forms E112*.
Identifiers: ClinVar variation 965408 (VCV000965408.8), dbSNP rs146078928, ClinGen allele CA411546152.
Genomic context (GRCh38, chr22:33,650,441, plus strand): 5'-CGACCGGCTGCTGCCCACACTCGGAGCTGTTGCCTGCCACGATGCCAGCCCGAAGGTTCT[C>A]GCTGTCTCCAGTGCCCTCCTCCATGGAGTAGGTCTTGGAGTGGTTGCCTCGGCGATGGGA-3'